The following is an entry in ClinVar:

NM_020207.7(ERCC6L2):c.1232T>C (p.Leu411Ser)

Gene: ERCC6L2 (ERCC excision repair 6 like 2; plus strand). Cytogenetic location: 9q22.32.
Variant type: single nucleotide variant.
Coding change: c.1232T>C on transcript NM_020207.7 (MANE Select); coding-DNA position 1232, T replaced by C.
Protein change: p.Leu411Ser; replaces leucine 411 with serine.
Molecular consequence: missense variant. On other transcripts: non-coding transcript variant (1).
Genome position (GRCh38, 1-based): chr9:95,921,248, T>C. VCF-style: chr9-95921248-T-C. GRCh37 (hg19) VCF-style: chr9-98683530-T-C.
Other names: c.1232T>C, p.Leu411Ser (NM_001010895.4, NM_001375291.1, NM_001375292.1 and 2 more transcripts); short protein forms L411S.
Identifiers: ClinVar variation 2088919 (VCV002088919.5), dbSNP rs1231909840, ClinGen allele CA374123723.

ClinVar aggregate classification (germline): Uncertain significance. Review status: criteria provided, multiple submitters, no conflicts (2 of 4 stars). 2 submissions from 2 submitters: Uncertain significance (2). Last evaluated 2025-09-17.

Conditions:
Inborn genetic diseases. Identifiers: MedGen C0950123, MeSH D030342.

Allele frequency attached by ClinVar (database versions not stated): gnomAD exomes below 0.00001; TOPMed 0.00001.
gnomAD v4.1: 1 of 1,613,734 alleles (0.000062%); highest among the groups gnomAD compares: Non-Finnish European, 0.000085%; no homozygotes.

Submissions (2):

Ambry Genetics
Classification: Uncertain significance for Inborn genetic diseases. Last evaluated: 2025-09-17. Review status: criteria provided, single submitter. Criteria: Ambry Variant Classification Scheme 2023. Collection method: clinical testing. Allele origin: germline.
Comment: The p.L411S variant (also known as c.1232T>C), located in coding exon 7 of the ERCC6L2 gene, results from a T to C substitution at nucleotide position 1232. The leucine at codon 411 is replaced by serine, an amino acid with dissimilar properties. This amino acid position is conserved. In addition, this alteration is predicted to be deleterious by in silico analysis. Based on the available evidence, the clinical significance of this variant remains unclear.

Labcorp Genetics (formerly Invitae), Labcorp
Classification: Uncertain significance. Last evaluated: 2022-08-15. Review status: criteria provided, single submitter. Criteria: Invitae Variant Classification Sherloc (09022015). Collection method: clinical testing. Allele origin: germline.
Comment: This sequence change replaces leucine, which is neutral and non-polar, with serine, which is neutral and polar, at codon 422 of the ERCC6L2 protein (p.Leu422Ser). This variant is not present in population databases (gnomAD no frequency). This variant has not been reported in the literature in individuals affected with ERCC6L2-related conditions. Algorithms developed to predict the effect of missense changes on protein structure and function are either unavailable or do not agree on the potential impact of this missense change (SIFT: "Deleterious"; PolyPhen-2: "Not Available"; Align-GVGD: "Class C0"). In summary, the available evidence is currently insufficient to determine the role of this variant in disease. Therefore, it has been classified as a Variant of Uncertain Significance.